The following is an entry in ClinVar:

ClinVar aggregate classification (germline): Uncertain significance. Review status: criteria provided, multiple submitters, no conflicts (2 of 4 stars). 3 submissions from 3 submitters: Uncertain significance (3). Last evaluated 2026-07-07.

Conditions:
Hereditary cancer-predisposing syndrome. Also called: Hereditary Cancer Syndrome; Neoplastic Syndromes, Hereditary; Hereditary neoplastic syndrome; Tumor predisposition. Identifiers: Orphanet 140162, MedGen C0027672, MeSH D009386, MONDO:0015356.
Oligodontia-cancer predisposition syndrome. Also called: TOOTH AGENESIS-COLORECTAL CANCER SYNDROME. Identifiers: Orphanet 300576, MedGen C1837750, MONDO:0012075, OMIM 608615. Disease mechanism: loss of function.

Submissions (3):

Ambry Genetics
Classification: Uncertain significance for Hereditary cancer-predisposing syndrome. Last evaluated: 2026-07-07. Review status: criteria provided, single submitter. Criteria: Ambry Variant Classification Scheme 2023. Collection method: clinical testing. Allele origin: germline.
Comment: The p.S252G variant (also known as c.754A>G), located in coding exon 1 of the AXIN2 gene, results from an A to G substitution at nucleotide position 754. The serine at codon 252 is replaced by glycine, an amino acid with similar properties. This amino acid position is conserved. In addition, this alteration is predicted to be tolerated by in silico analysis. Based on the available evidence, the clinical significance of this variant remains unclear.

St. Jude Molecular Pathology, St. Jude Children's Research Hospital
Classification: Uncertain significance for Oligodontia-cancer predisposition syndrome. Last evaluated: 2026-02-20. Review status: criteria provided, single submitter. Criteria: St. Jude Assertion Criteria 2020. Collection method: clinical testing. Allele origin: germline.
Comment: The AXIN2 c.754A>G p.(Ser252Gly) missense change is absent in gnomAD v2.1.1. The in silico tool REVEL predicts a benign effect on protein function, but this prediction has not been confirmed by functional studies. To our knowledge, this variant has not been reported in the literature in individuals with oligodontia-cancer predisposition syndrome. In summary, the evidence currently available is insufficient to determine the clinical significa nce of this variant. It has therefore been classified as of uncertain significance.

Labcorp Genetics (formerly Invitae), Labcorp
Classification: Uncertain significance for Oligodontia-cancer predisposition syndrome. Last evaluated: 2022-10-16. Review status: criteria provided, single submitter. Criteria: Invitae Variant Classification Sherloc (09022015). Collection method: clinical testing. Allele origin: germline.
Comment: In summary, the available evidence is currently insufficient to determine the role of this variant in disease. Therefore, it has been classified as a Variant of Uncertain Significance. This variant is not present in population databases (gnomAD no frequency). This variant has not been reported in the literature in individuals affected with AXIN2-related conditions. ClinVar contains an entry for this variant (Variation ID: 1356473). Advanced modeling of protein sequence and biophysical properties (such as structural, functional, and spatial information, amino acid conservation, physicochemical variation, residue mobility, and thermodynamic stability) performed at Invitae indicates that this missense variant is not expected to disrupt AXIN2 protein function. This sequence change replaces serine, which is neutral and polar, with glycine, which is neutral and non-polar, at codon 252 of the AXIN2 protein (p.Ser252Gly).

NM_004655.4(AXIN2):c.754A>G (p.Ser252Gly)

Gene: AXIN2 (axin 2; minus strand). Cytogenetic location: 17q24.1.
Variant type: single nucleotide variant.
Coding change: c.754A>G on transcript NM_004655.4 (MANE Select); coding-DNA position 754, A replaced by G.
Protein change: p.Ser252Gly; replaces serine 252 with glycine.
Molecular consequence: missense variant.
Genome position (GRCh38, 1-based): chr17:65,557,867, T>C on the plus strand (A>G on the coding strand, the complement: AXIN2 is on the minus strand). VCF-style: chr17-65557867-T-C. GRCh37 (hg19) VCF-style: chr17-63553985-T-C.
Other names: c.754A>G (NM_004655.3); c.754A>G, p.Ser252Gly (NM_001363813.1); short protein forms S252G.
Identifiers: ClinVar variation 1356473 (VCV001356473.11), dbSNP rs2044293390, ClinGen allele CA400680346.
Genomic context (GRCh38, chr17:65,557,867, plus strand): 5'-TGTATCCACTGTCAACAGTTTCCGTGGACCTCACACTCGCCGTGGCCCTCAGAGTTTTGC[T>C]GGACAAGCCAACCACGGTTGGCGAAAGTTTGCACTTGAAGTCGGCACAAGTCCACTCCTC-3'
Protein context (NP_004646.3, residues 242-262): KLSPTVVGLS[Ser252Gly]KTLRATASVR